The following is an entry in ClinVar:

NM_000372.5(TYR):c.1037-10del

Gene: TYR (tyrosinase; plus strand). Cytogenetic location: 11q14.3.
Variant type: Deletion.
Coding change: c.1037-10del on transcript NM_000372.5 (MANE Select); 10 bases into the intron before coding-DNA position 1037, one base deleted (T; older notation c.1037-10delT).
Molecular consequence: intron variant.
Genome position (GRCh38, 1-based): chr11:89,227,813, T deleted; the last of 9 consecutive T bases (chr11:89,227,805-89,227,813); deleting any one gives the same sequence. VCF-style (leftmost placement, unchanged base first): chr11-89227804-AT-A. GRCh37 (hg19) VCF-style: chr11-88960972-AT-A.
Other names: c.1037-10delT (NM_000372.4).
Identifiers: ClinVar variation 2800143 (VCV002800143.5), dbSNP rs747032303, ClinGen allele CA6221324.

ClinVar aggregate classification (germline): Benign. Review status: criteria provided, single submitter (1 of 4 stars). 2 submissions from 2 submitters: Benign (1). 1 of the submissions does not count toward it. Last evaluated 2023-09-03.

Conditions:
TYR-related disorder. Also called: TYR-related condition.

Submissions (2):

Labcorp Genetics (formerly Invitae), Labcorp
Classification: Benign. Last evaluated: 2023-09-03. Review status: criteria provided, single submitter. Criteria: Invitae Variant Classification Sherloc (09022015). Collection method: clinical testing. Allele origin: germline.

PreventionGenetics, part of Exact Sciences
Classification: Likely benign for TYR-related condition. Last evaluated: 2019-08-07. Review status: no assertion criteria provided. Collection method: clinical testing. Allele origin: germline. Not counted in ClinVar's aggregate classification.
Comment: This variant is classified as likely benign based on ACMG/AMP sequence variant interpretation guidelines (Richards et al. 2015 PMID: 25741868, with internal and published modifications).